The following is an entry in ClinVar:

NM_000179.3(MSH6):c.1121A>C (p.Lys374Thr)

Gene: MSH6 (mutS homolog 6; plus strand). Cytogenetic location: 2p16.3.
Variant type: single nucleotide variant.
Coding change: c.1121A>C on transcript NM_000179.3 (MANE Select); coding-DNA position 1121, A replaced by C.
Protein change: p.Lys374Thr; replaces lysine 374 with threonine.
Molecular consequence: missense variant.
Genome position (GRCh38, 1-based): chr2:47,799,104, A>C. VCF-style: chr2-47799104-A-C. GRCh37 (hg19) VCF-style: chr2-48026243-A-C.
Other names: c.731A>C, p.Lys244Thr (NM_001281492.2); c.215A>C, p.Lys72Thr (NM_001281493.2, NM_001281494.2, NM_001406811.1 and 6 more transcripts); c.1217A>C, p.Lys406Thr (NM_001406795.1, NM_001406802.1); c.1121A>C, p.Lys374Thr (NM_001406796.1, NM_001406798.1, NM_001406800.1 and 4 more transcripts); c.824A>C, p.Lys275Thr (NM_001406797.1, NM_001406801.1, NM_001406805.1 and 10 more transcripts); c.596A>C, p.Lys199Thr (NM_001406799.1, NM_001406806.1, NM_001406807.1); c.1043A>C, p.Lys348Thr (NM_001406804.1); c.1127A>C, p.Lys376Thr (NM_001406813.1); and 1 more; short protein forms K348T, K199T, K72T, K275T, K376T, K406T, K244T, K318T.
Identifiers: ClinVar variation 1797819 (VCV001797819.5), dbSNP rs2104320836, ClinGen allele CA346742022.

ClinVar aggregate classification (germline): Uncertain significance. Review status: criteria provided, multiple submitters, no conflicts (2 of 4 stars). 3 submissions from 3 submitters: Uncertain significance (3). Last evaluated 2024-03-12.

Conditions:
Hereditary nonpolyposis colorectal neoplasms. Identifiers: MedGen C0009405, MeSH D003123.
Hereditary cancer-predisposing syndrome. Also called: Neoplastic Syndromes, Hereditary; Tumor predisposition; Hereditary Cancer Syndrome; Hereditary neoplastic syndrome. Identifiers: Orphanet 140162, MedGen C0027672, MeSH D009386, MONDO:0015356.

Allele frequency attached by ClinVar (database versions not stated): gnomAD exomes below 0.00001.
gnomAD v4.1: 1 of 1,614,144 alleles (0.000062%); highest among the groups gnomAD compares: Non-Finnish European, 0.000085%; no homozygotes.

Submissions (3):

GeneDx
Classification: Uncertain significance. Last evaluated: 2024-03-12. Review status: criteria provided, single submitter. Criteria: GeneDx Variant Classification Process June 2021. Collection method: clinical testing. Allele origin: germline. Affected: yes.
Comment: Not observed at significant frequency in large population cohorts (gnomAD); In silico analysis supports that this missense variant has a deleterious effect on protein structure/function; Has not been previously published as pathogenic or benign to our knowledge; This variant is associated with the following publications: (PMID: 17531815, 2112094)

Labcorp Genetics (formerly Invitae), Labcorp
Classification: Uncertain significance for Hereditary nonpolyposis colorectal neoplasms. Last evaluated: 2024-03-03. Review status: criteria provided, single submitter. Criteria: Invitae Variant Classification Sherloc (09022015). Collection method: clinical testing. Allele origin: germline.
Comment: This sequence change replaces lysine, which is basic and polar, with threonine, which is neutral and polar, at codon 374 of the MSH6 protein (p.Lys374Thr). This variant is not present in population databases (gnomAD no frequency). This variant has not been reported in the literature in individuals affected with MSH6-related conditions. ClinVar contains an entry for this variant (Variation ID: 1797819). Advanced modeling of protein sequence and biophysical properties (such as structural, functional, and spatial information, amino acid conservation, physicochemical variation, residue mobility, and thermodynamic stability) performed at Invitae indicates that this missense variant is not expected to disrupt MSH6 protein function with a negative predictive value of 95%. In summary, the available evidence is currently insufficient to determine the role of this variant in disease. Therefore, it has been classified as a Variant of Uncertain Significance.

Ambry Genetics
Classification: Uncertain significance for Hereditary cancer-predisposing syndrome. Last evaluated: 2019-11-27. Review status: criteria provided, single submitter. Criteria: Ambry Variant Classification Scheme 2023. Collection method: clinical testing. Allele origin: germline.
Comment: The p.K374T variant (also known as c.1121A>C), located in coding exon 4 of the MSH6 gene, results from an A to C substitution at nucleotide position 1121. The lysine at codon 374 is replaced by threonine, an amino acid with similar properties. This amino acid position is not well conserved in available vertebrate species. In addition, the in silico prediction for this alteration is inconclusive. Since supporting evidence is limited at this time, the clinical significance of this alteration remains unclear.